The following is an entry in ClinVar:

NM_015158.5(KANK1):c.3707C>T (p.Thr1236Met)

Gene: KANK1 (KN motif and ankyrin repeat domains 1; plus strand). Cytogenetic location: 9p24.3.
Variant type: single nucleotide variant.
Coding change: c.3707C>T on transcript NM_015158.5 (MANE Select); coding-DNA position 3707, C replaced by T.
Protein change: p.Thr1236Met; replaces threonine 1236 with methionine.
Molecular consequence: missense variant. On other transcripts: non-coding transcript variant (1).
Genome position (GRCh38, 1-based): chr9:742,215, C>T. VCF-style: chr9-742215-C-T. GRCh37 (hg19) VCF-style: chr9-742215-C-T.
Other names: c.3707C>T, p.Thr1236Met (NM_001256876.3, NM_001256877.3, NM_001354334.2); c.3467C>T, p.Thr1156Met (NM_001354331.2); c.3653C>T, p.Thr1218Met (NM_001354332.2); c.3233C>T, p.Thr1078Met (NM_001354333.2, NM_001354335.2, NM_001354337.2 and 2 more transcripts); c.2939C>T, p.Thr980Met (NM_001354336.2); c.3179C>T, p.Thr1060Met (NM_001354338.2, NM_001354340.2, NM_001354344.2); c.2993C>T, p.Thr998Met (NM_001354339.2, NM_001354342.2, NM_001354343.2); short protein forms T1060M, T1078M, T1156M, T1218M, T1236M, T980M, T998M.
Identifiers: ClinVar variation 3031456 (VCV003031456.2), dbSNP rs776568652, ClinGen allele CA187803200.

ClinVar aggregate classification (germline): Uncertain significance (0 of 4 stars; one submission).

Conditions:
KANK1-related disorder. Also called: KANK1-related condition.

Allele frequency attached by ClinVar (database versions not stated): TOPMed below 0.00001; gnomAD 0.00001; gnomAD exomes 0.00001.
gnomAD v4.1: 12 of 1,613,920 alleles (0.00074%); highest among the groups gnomAD compares: Middle Eastern, 0.016%; no homozygotes.

Submission:

PreventionGenetics, part of Exact Sciences
Classification: Uncertain significance for KANK1-related condition. Last evaluated: 2024-02-28. Review status: no assertion criteria provided. Collection method: clinical testing. Allele origin: germline.
Comment: The KANK1 c.3707C>T variant is predicted to result in the amino acid substitution p.Thr1236Met. To our knowledge, this variant has not been reported in the literature or in a large population database, indicating this variant is rare. At this time, the clinical significance of this variant is uncertain due to the absence of conclusive functional and genetic evidence.